The following is an entry in ClinVar:

NM_001029896.2(WDR45):c.1014del (p.Pro339fs)

Gene: WDR45 (WD repeat domain 45; minus strand). Cytogenetic location: Xp11.23.
Variant type: Deletion.
Coding change: c.1014del on transcript NM_001029896.2 (MANE Select); coding-DNA position 1014, one base deleted (T; older notation c.1014delT).
Protein change: p.Pro339fs; shifts the reading frame from proline 339.
Molecular consequence: frameshift variant.
Genome position (GRCh38, 1-based): chrX:49,074,872, A deleted on the plus strand (T on the coding strand, the reverse complement: WDR45 is on the minus strand). VCF-style (leftmost placement, unchanged base first): chrX-49074871-GA-G. GRCh37 (hg19) VCF-style: chrX-48932530-GA-G.
Other names: c.1017del, p.Pro340fs (NM_007075.4); short protein forms P339fs, P340fs.
Identifiers: ClinVar variation 4531322 (VCV004531322.1).

ClinVar aggregate classification (germline): Pathogenic (1 of 4 stars; one submission).

Conditions:
Neurodegeneration with brain iron accumulation 5 (NBIA5). Also called: Beta-propeller protein-associated neurodegeneration; STATIC ENCEPHALOPATHY OF CHILDHOOD WITH NEURODEGENERATION IN ADULTHOOD. Identifiers: Orphanet 329284, MedGen C3550973, MONDO:0010476, OMIM 300894.

Submission:

Victorian Clinical Genetics Services, Murdoch Childrens Research Institute
Classification: Pathogenic for Neurodegeneration with brain iron accumulation 5. Last evaluated: 2025-01-27. Review status: criteria provided, single submitter. Criteria: ACMG Guidelines, 2015. Collection method: clinical testing. Allele origin: germline. Affected: yes.
Comment: This variant is classified as Pathogenic. Evidence in support of pathogenic classification: Variant is predicted to result in an elongated protein; Variant is absent from gnomAD (v2, v3 and v4); Other elongation variant(s) comparable to the one identified in this case have strong previous evidence for pathogenicity. p.(Cys343Alafs*67) has been classified as likely pathogenic by a clinical laboratory in ClinVar, and has been reported in the literature in at least one heterozygous individual with intellectual disability and persistent withdrawal behaviors who developed progressive dystonia, parkinsonism and cognitive decline in adult life (PMID: 24368176). In addition, both p.(Val350Cysfs*60) and p.(Asp341Glufs*69) have been observed in individuals with WDR45-related symptoms (PMID: 32387008, 39467646); Additional information: This variant is heterozygous; This gene is associated with X-linked dominant disease; This variant has no previous evidence of pathogenicity; No published segregation evidence has been identified for this variant; No published functional evidence has been identified for this variant; Loss of function is a known mechanism of disease in this gene and is associated with neurodegeneration with brain iron accumulation 5 (MIM#300894).

Literature cited by the submitters: PubMed 32387008; PubMed 39467646; PubMed 24368176.